The following is an entry in ClinVar:

ClinVar aggregate classification (germline): Benign (1 of 4 stars; one submission).

Conditions:
Leigh syndrome (NULS). Also called: Leigh's necrotizing encephalopathy; Leigh's disease; Leigh Syndrome (mtDNA deletion); Leigh Disease; Subacute necrotizing encephalopathy; Necrotizing encephalopathy infantile subacute of Leigh. Identifiers: Orphanet 506, MedGen C2931891, MONDO:0009723, OMIM 256000.

Submission:

Wong Mito Lab, Molecular and Human Genetics, Baylor College of Medicine
Classification: Benign for Leigh syndrome. Last evaluated: 2019-10-17. Review status: criteria provided, single submitter. Criteria: Modified ACMG Guidelines (Unpublished). Collection method: clinical testing. Allele origin: germline.
Comment: The NC_012920.1:m.5331C>A (YP_003024027.1:p.Leu288Ile) variant in MTND2 gene is interpretated to be a Benign variant based on the modified ACMG guidelines (unpublished). This variant meets the following evidence codes: BS1, BS2, BP4

NC_012920.1(MT-ND2):m.5331C>A

Gene: MT-ND2 (mitochondrially encoded NADH dehydrogenase 2; plus strand).
Variant type: single nucleotide variant.
Genome position: chrM-5331-C-A.
Identifiers: ClinVar variation 692583 (VCV000692583.1), dbSNP rs200778062, ClinGen allele CA337097112.